The following is an entry in ClinVar:

NM_018272.5(DNAI7):c.801T>C (p.Ser267=)

Gene: DNAI7 (dynein axonemal intermediate chain 7; minus strand). Cytogenetic location: 12p12.1.
Variant type: single nucleotide variant.
Coding change: c.801T>C on transcript NM_018272.5 (MANE Select); coding-DNA position 801, T replaced by C.
Protein change: p.Ser267=; no amino-acid change (serine 267 retained).
Molecular consequence: synonymous variant. On other transcripts: non-coding transcript variant (2).
Genome position (GRCh38, 1-based): chr12:25,144,566, A>G on the plus strand (T>C on the coding strand, the complement: DNAI7 is on the minus strand). VCF-style: chr12-25144566-A-G. GRCh37 (hg19) VCF-style: chr12-25297500-A-G.
Other names: c.663T>C, p.Ser221= (NM_001352068.2, NM_001204102.3, NM_001319978.2 and 2 more transcripts); c.975T>C, p.Ser325= (NM_001082972.3); c.783T>C, p.Ser261= (NM_001082973.3, NM_001352062.2, NM_001352064.2); c.606T>C, p.Ser202= (NM_001204101.3, NM_001352067.2); c.447T>C, p.Ser149= (NM_001319977.2, NM_001352065.2); c.801T>C, p.Ser267= (NM_001352063.2).
Identifiers: ClinVar variation 2642794 (VCV002642794.24), dbSNP rs2548507515, ClinGen allele CA478893004.
Genomic context (GRCh38, chr12:25,144,566, plus strand): 5'-GACAAGCTCAGTTACTGCAGAAGTGTATTCTTTTGATGGTGTTGAAACAGGGTGCAGTGC[A>G]GAAACATGATCATAGTGGGTATGCAGGAGTCGTACAGCAATGTCACTTGTTGCTAATATC-3'
Protein context (NP_060742.4, residues 257-277): RLLHTHYDHV[Ser267=]ALHPVSTPSK

ClinVar aggregate classification (germline): Likely benign (1 of 4 stars; one submission).

Submission:

CeGaT Center for Human Genetics Tuebingen
Classification: Likely benign. Last evaluated: 2022-04-01. Review status: criteria provided, single submitter. Criteria: CeGaT Center For Human Genetics Tuebingen Variant Classification Criteria Version 2. Collection method: clinical testing. Allele origin: germline. Affected: yes. Observed: 1 variant allele.
Comment: DNAI7: PM2:Supporting, BP4, BP7